The following is an entry in ClinVar:

NC_000007.13:g.(?_124464016)_(124465421_?)del

Gene: POT1 (protection of telomeres 1; minus strand). Cytogenetic location: 7q31.33.
Variant type: Deletion.
Identifiers: ClinVar variation 2426148 (VCV002426148.5).

ClinVar aggregate classification (germline): Uncertain significance (1 of 4 stars; one submission).

Conditions:
Tumor predisposition syndrome 3 (TPDS3). Also called: Melanoma, cutaneous malignant, susceptibility to, 10; Glioma susceptibility 9; LONG TELOMERE SYNDROME, POT1-RELATED; POT1 Tumor Predisposition. Identifiers: Orphanet 618, MedGen C4014476, MONDO:0014368, OMIM 615848.

Submission:

Labcorp Genetics (formerly Invitae), Labcorp
Classification: Uncertain significance for Tumor predisposition syndrome 3. Last evaluated: 2022-08-31. Review status: criteria provided, single submitter. Criteria: Invitae Variant Classification Sherloc (09022015). Collection method: clinical testing. Allele origin: germline.
Comment: In summary, the available evidence is currently insufficient to determine the role of this variant in disease. Therefore, it has been classified as a Variant of Uncertain Significance. This variant has not been reported in the literature in individuals affected with POT1-related conditions. This variant is a gross deletion of the genomic region encompassing exon(s) 18-19 of the POT1 gene, which includes the termination codon. This deletion extends beyond the assayed region for this gene and therefore may encompass additional genes. While this deletion is not anticipated to lead to nonsense mediated decay, it is expected to alter mRNA translation or result in a truncated protein product.